The following is an entry in ClinVar:

NM_001018113.3(FANCB):c.2165+6G>A

Gene: FANCB (FA complementation group B; minus strand). Cytogenetic location: Xp22.2.
Variant type: single nucleotide variant.
Coding change: c.2165+6G>A on transcript NM_001018113.3 (MANE Select); 6 bases into the intron after coding-DNA position 2165, G replaced by A.
Molecular consequence: intron variant.
Genome position (GRCh38, 1-based): chrX:14,844,497, C>T on the plus strand (G>A on the coding strand, the complement: FANCB is on the minus strand). VCF-style: chrX-14844497-C-T. GRCh37 (hg19) VCF-style: chrX-14862619-C-T.
Other names: c.2165+6G>A (NM_001410764.1, NM_001324162.2, NM_152633.4).
Identifiers: ClinVar variation 2889802 (VCV002889802.3), dbSNP rs2092367261, ClinGen allele CA2416742676.

ClinVar aggregate classification (germline): Uncertain significance (1 of 4 stars; one submission).

Conditions:
Fanconi anemia (FA). Also called: Fanconi's anemia. Identifiers: Orphanet 84, MedGen C0015625, MeSH D005199, MONDO:0019391.

Allele frequency attached by ClinVar (database versions not stated): TOPMed 0.00001.

Submission:

Labcorp Genetics (formerly Invitae), Labcorp
Classification: Uncertain significance for Fanconi anemia. Last evaluated: 2024-10-22. Review status: criteria provided, single submitter. Criteria: Invitae Variant Classification Sherloc (09022015). Collection method: clinical testing. Allele origin: germline.
Comment: This sequence change falls in intron 9 of the FANCB gene. It does not directly change the encoded amino acid sequence of the FANCB protein. It affects a nucleotide within the consensus splice site. This variant is not present in population databases (gnomAD no frequency). This variant has not been reported in the literature in individuals affected with FANCB-related conditions. Variants that disrupt the consensus splice site are a relatively common cause of aberrant splicing (PMID: 17576681, 9536098). Algorithms developed to predict the effect of sequence changes on RNA splicing suggest that this variant is not likely to affect RNA splicing. In summary, the available evidence is currently insufficient to determine the role of this variant in disease. Therefore, it has been classified as a Variant of Uncertain Significance.

Literature cited by the submitters: PubMed 17576681; PubMed 9536098.